The following is an entry in ClinVar:

NM_001301043.2(CADM1):c.771C>T (p.Thr257=)

Gene: CADM1 (cell adhesion molecule 1; minus strand). Cytogenetic location: 11q23.3.
Variant type: single nucleotide variant.
Coding change: c.771C>T on transcript NM_001301043.2 (MANE Select); coding-DNA position 771, C replaced by T.
Protein change: p.Thr257=; no amino-acid change (threonine 257 retained).
Molecular consequence: synonymous variant.
Genome position (GRCh38, 1-based): chr11:115,217,942, G>A on the plus strand (C>T on the coding strand, the complement: CADM1 is on the minus strand). VCF-style: chr11-115217942-G-A. GRCh37 (hg19) VCF-style: chr11-115088662-G-A.
Other names: c.771C>T, p.Thr257= (NM_014333.4, NM_001098517.2, NM_001301044.2 and 1 more transcripts).
Identifiers: ClinVar variation 2642394 (VCV002642394.24), dbSNP rs377460211, ClinGen allele CA6287622.

ClinVar aggregate classification (germline): Likely benign (1 of 4 stars; one submission).

Allele frequency attached by ClinVar (database versions not stated): ESP Exome Variant Server 0.00008; TOPMed 0.00018; 1000 Genomes Project 30x 0.00031; gnomAD 0.00034; 1000 Genomes Project 0.00040; ExAC 0.00063.
gnomAD v4.1: 557 of 1,613,634 alleles (0.035%); highest among the groups gnomAD compares: South Asian, 0.44%; 6 homozygotes.

Submission:

CeGaT Center for Human Genetics Tuebingen
Classification: Likely benign. Last evaluated: 2023-03-01. Review status: criteria provided, single submitter. Criteria: CeGaT Center For Human Genetics Tuebingen Variant Classification Criteria Version 2. Collection method: clinical testing. Allele origin: germline. Affected: yes. Observed: 1 variant allele.
Comment: CADM1: BP4, BP7